The following is an entry in ClinVar:

ClinVar aggregate classification (germline): Uncertain significance. Review status: criteria provided, multiple submitters, no conflicts (2 of 4 stars). 2 submissions from 2 submitters: Uncertain significance (2). Last evaluated 2026-08-04.

Conditions:
Tuberous sclerosis 2 (TSC2). Identifiers: Orphanet 805, MedGen C1860707, MONDO:0013199, OMIM 613254.
Hereditary cancer-predisposing syndrome. Also called: Hereditary Cancer Syndrome; Hereditary neoplastic syndrome; Neoplastic Syndromes, Hereditary; Tumor predisposition. Identifiers: Orphanet 140162, MedGen C0027672, MeSH D009386, MONDO:0015356.

Submissions (2):

Ambry Genetics
Classification: Uncertain significance for Hereditary cancer-predisposing syndrome. Last evaluated: 2026-08-04. Review status: criteria provided, single submitter. Criteria: Ambry Variant Classification Scheme 2023. Collection method: clinical testing. Allele origin: germline.
Comment: The p.V1592M variant (also known as c.4774G>A), located in coding exon 36 of the TSC2 gene, results from a G to A substitution at nucleotide position 4774. The valine at codon 1592 is replaced by methionine, an amino acid with highly similar properties. This amino acid position is not well conserved in available vertebrate species. In addition, this alteration is predicted to be deleterious by in silico analysis. Based on the available evidence, the clinical significance of this variant remains unclear.

Labcorp Genetics (formerly Invitae), Labcorp
Classification: Uncertain significance for Tuberous sclerosis 2. Last evaluated: 2023-06-22. Review status: criteria provided, single submitter. Criteria: Invitae Variant Classification Sherloc (09022015). Collection method: clinical testing. Allele origin: germline.
Comment: This sequence change replaces valine, which is neutral and non-polar, with methionine, which is neutral and non-polar, at codon 1592 of the TSC2 protein (p.Val1592Met). This variant is not present in population databases (gnomAD no frequency). This variant has not been reported in the literature in individuals affected with TSC2-related conditions. Advanced modeling of protein sequence and biophysical properties (such as structural, functional, and spatial information, amino acid conservation, physicochemical variation, residue mobility, and thermodynamic stability) performed at Invitae indicates that this missense variant is not expected to disrupt TSC2 protein function. In summary, the available evidence is currently insufficient to determine the role of this variant in disease. Therefore, it has been classified as a Variant of Uncertain Significance.

NM_000548.5(TSC2):c.4774G>A (p.Val1592Met)

Gene: TSC2 (TSC complex subunit 2; plus strand). Cytogenetic location: 16p13.3.
Variant type: single nucleotide variant.
Coding change: c.4774G>A on transcript NM_000548.5 (MANE Select); coding-DNA position 4774, G replaced by A.
Protein change: p.Val1592Met; replaces valine 1592 with methionine.
Molecular consequence: missense variant. On other transcripts: non-coding transcript variant (5).
Genome position (GRCh38, 1-based): chr16:2,086,304, G>A. VCF-style: chr16-2086304-G-A. GRCh37 (hg19) VCF-style: chr16-2136305-G-A.
Other names: c.4573G>A, p.Val1525Met (NM_001077183.3); c.4705G>A, p.Val1569Met (NM_001114382.3); c.4465G>A, p.Val1489Met (NM_001318827.2); c.4429G>A, p.Val1477Met (NM_001318829.2); c.4042G>A, p.Val1348Met (NM_001318831.2); c.4606G>A, p.Val1536Met (NM_001318832.2); c.4576G>A, p.Val1526Met (NM_001363528.2); c.4642G>A, p.Val1548Met (NM_001370404.1); and 26 more; short protein forms V1078M, V1100M, V1121M, V1326M, V1368M, V1519M, V1526M, V1536M.
Identifiers: ClinVar variation 2789104 (VCV002789104.4), dbSNP rs2151573908, ClinGen allele CA394307910.